The following is an entry in ClinVar:

ClinVar aggregate classification (germline): Uncertain significance (1 of 4 stars; one submission).

Conditions:
Dystonia 28, childhood-onset (DYT28). Also called: KMT2B-Related Dystonia (DYT-KMT2B). Identifiers: Orphanet 589618, MedGen C4310633, MONDO:0015004, OMIM 617284.

Allele frequency attached by ClinVar (database versions not stated): gnomAD exomes below 0.00001; gnomAD 0.00001; 1000 Genomes Project 0.00020; 1000 Genomes Project 30x 0.00031.
gnomAD v4.1: 2 of 1,551,810 alleles (0.00013%); highest among the groups gnomAD compares: Admixed American, 0.0039%; no homozygotes.

Submission:

Victorian Clinical Genetics Services, Murdoch Childrens Research Institute
Classification: Uncertain significance for Dystonia 28, childhood-onset. Last evaluated: 2020-10-19. Review status: criteria provided, single submitter. Criteria: ACMG Guidelines, 2015. Collection method: clinical testing. Allele origin: germline. Inheritance: Autosomal dominant inheritance.
Comment: Based on the classification scheme VCGS_Germline_v1.1.1, this variant is classified as 3C-VUS. Following criteria are met: 0102 - Loss-of-function is a known mechanism of disease for this gene. (N) 0107 - This gene is known to be associated with autosomal dominant disease. (N) 0200 - Variant is predicted to result in a missense amino acid change from lysine to glutamine (exon 3). (N) 0251 - Variant is heterozygous. (N) 0301 - Variant is absent from gnomAD. (P) 0503 - Missense variant consistently predicted to be tolerated or not conserved in mammals with a minor amino acid change. (B) 0604 - Variant is not located in an established domain, motif, hotspot or informative constraint region. (N) 0705 - Variant has previously been described as variant of uncertain significance (ClinVar). (N) 0807 - Variant has not previously been reported in a clinical context. (N) 0905 - No segregation evidence has been identified for this variant. (N) 1007 - No published functional evidence has been identified for this variant. (N) 1208 - Inheritance information for this variant is not currently available. (N) Legend: (P) - Pathogenic, (N) - Neutral, (B) - Benign

NM_014727.3(KMT2B):c.1102A>C (p.Lys368Gln)

Gene: KMT2B (lysine methyltransferase 2B; plus strand). Cytogenetic location: 19q13.12.
Variant type: single nucleotide variant.
Coding change: c.1102A>C on transcript NM_014727.3 (MANE Select); coding-DNA position 1102, A replaced by C.
Protein change: p.Lys368Gln; replaces lysine 368 with glutamine.
Molecular consequence: missense variant.
Genome position (GRCh38, 1-based): chr19:35,720,449, A>C. VCF-style: chr19-35720449-A-C. GRCh37 (hg19) VCF-style: chr19-36211351-A-C.
Other names: short protein forms K368Q.
Identifiers: ClinVar variation 1806094 (VCV001806094.1), dbSNP rs561753040, ClinGen allele CA307782605.